The following is an entry in ClinVar:

NM_004186.5(SEMA3F):c.871G>A (p.Ala291Thr)

Gene: SEMA3F (semaphorin 3F; plus strand). Cytogenetic location: 3p21.31.
Variant type: single nucleotide variant.
Coding change: c.871G>A on transcript NM_004186.5 (MANE Select); coding-DNA position 871, G replaced by A.
Protein change: p.Ala291Thr; replaces alanine 291 with threonine.
Molecular consequence: missense variant.
Genome position (GRCh38, 1-based): chr3:50,182,751, G>A. VCF-style: chr3-50182751-G-A. GRCh37 (hg19) VCF-style: chr3-50220184-G-A.
Other names: c.574G>A, p.Ala192Thr (NM_001318798.2); c.778G>A, p.Ala260Thr (NM_001318800.2); short protein forms A192T, A260T, A291T.
Identifiers: ClinVar variation 3358115 (VCV003358115.1).
Genomic context (GRCh38, chr3:50,182,751, plus strand): 5'-AATGATGATAAGCTTTACTTCTTCTTCCGTGAGCGGTCGGCAGAGGCGCCGCAGAGCCCC[G>A]CGGTGTACGCCCGCATCGGGCGCATTTGCCTGGTATGCATTGGCAGAGCCACCAGGCTGC-3'
Protein context (NP_004177.3, residues 281-301): ERSAEAPQSP[Ala291Thr]VYARIGRICL

ClinVar aggregate classification (germline): Uncertain significance (0 of 4 stars; one submission).

Conditions:
SEMA3F-related disorder. Also called: SEMA3F-related condition.

gnomAD v4.1: 56 of 1,613,200 alleles (0.0035%); highest among the groups gnomAD compares: Non-Finnish European, 0.0046%; no homozygotes.

Submission:

PreventionGenetics, part of Exact Sciences
Classification: Uncertain significance for SEMA3F-related condition. Last evaluated: 2024-06-05. Review status: no assertion criteria provided. Collection method: clinical testing. Allele origin: germline.
Comment: The SEMA3F c.871G>A variant is predicted to result in the amino acid substitution p.Ala291Thr. To our knowledge, this variant has not been reported in the literature. This variant is reported in 0.0062% of alleles in individuals of European (Non-Finnish) descent in gnomAD. At this time, the clinical significance of this variant is uncertain due to the absence of conclusive functional and genetic evidence.